The following is an entry in ClinVar:

ClinVar aggregate classification (germline): Conflicting classifications of pathogenicity. Review status: criteria provided, conflicting classifications (1 of 4 stars). 5 submissions from 5 submitters: Uncertain significance (2); Benign (1); Likely benign (2). Last evaluated 2026-01-19.

Conditions:
Hereditary cancer-predisposing syndrome. Also called: Tumor predisposition; Hereditary Cancer Syndrome; Neoplastic Syndromes, Hereditary; Hereditary neoplastic syndrome. Identifiers: Orphanet 140162, MedGen C0027672, MeSH D009386, MONDO:0015356.
Tuberous sclerosis syndrome (TSC). Also called: Tuberous sclerosis; Tuberous Sclerosis Complex. Identifiers: Orphanet 805, MedGen C0041341, MONDO:0001734.
Tuberous sclerosis 1 (TSC1). Identifiers: Orphanet 805, MedGen C1854465, MONDO:0008612, OMIM 191100.

Allele frequency attached by ClinVar (database versions not stated): gnomAD exomes below 0.00001; TOPMed 0.00001.
gnomAD v4.1: 3 of 1,614,176 alleles (0.00019%); highest among the groups gnomAD compares: Non-Finnish European, 0.00025%; no homozygotes.

Submissions (5):

Labcorp Genetics (formerly Invitae), Labcorp
Classification: Benign for Tuberous sclerosis 1. Last evaluated: 2026-01-19. Review status: criteria provided, single submitter. Criteria: Invitae Variant Classification Sherloc (09022015). Collection method: clinical testing. Allele origin: germline.

Ambry Genetics
Classification: Likely benign for Hereditary cancer-predisposing syndrome. Last evaluated: 2025-09-10. Review status: criteria provided, single submitter. Criteria: Ambry Variant Classification Scheme 2023. Collection method: clinical testing. Allele origin: germline.

All of Us Research Program, National Institutes of Health
Classification: Uncertain significance for Tuberous sclerosis syndrome. Last evaluated: 2024-09-23. Review status: criteria provided, single submitter. Criteria: ACMG Guidelines, 2015. Collection method: clinical testing. Allele origin: germline. Inheritance: Autosomal dominant inheritance. Observed: 2 variant alleles, 2 heterozygotes.
Comment: This study involves interpretation of variants in research participants for the purpose of population health screening. Participant phenotype was not available at the time of variant classification. Additional details can be found in publication PMID: 35346344, PMCID: PMC8962531

Genome-Nilou Lab
Classification: Uncertain significance for Tuberous sclerosis 1. Last evaluated: 2021-11-07. Review status: criteria provided, single submitter. Criteria: ACMG Guidelines, 2015. Collection method: clinical testing. Allele origin: germline. Affected: no.

GeneDx
Classification: Likely benign. Last evaluated: 2018-05-07. Review status: criteria provided, single submitter. Criteria: GeneDx Variant Classification Process June 2021. Collection method: clinical testing. Allele origin: germline. Affected: yes.

NM_000368.5(TSC1):c.1063A>G (p.Met355Val)

Gene: TSC1 (TSC complex subunit 1; minus strand). Cytogenetic location: 9q34.13.
Variant type: single nucleotide variant.
Coding change: c.1063A>G on transcript NM_000368.5 (MANE Select); coding-DNA position 1063, A replaced by G.
Protein change: p.Met355Val; replaces methionine 355 with valine.
Molecular consequence: missense variant.
Genome position (GRCh38, 1-based): chr9:132,911,080, T>C on the plus strand (A>G on the coding strand, the complement: TSC1 is on the minus strand). VCF-style: chr9-132911080-T-C. GRCh37 (hg19) VCF-style: chr9-135786467-T-C.
Other names: c.1063A>G, p.Met355Val (NM_001162426.2); c.910A>G, p.Met304Val (NM_001162427.2); c.700A>G, p.Met234Val (NM_001362177.2); short protein forms M355V, M234V, M304V.
Identifiers: ClinVar variation 449149 (VCV000449149.25), dbSNP rs1302832406, ClinGen allele CA375367734.
Genomic context (GRCh38, chr9:132,911,080, plus strand): 5'-TACTGTAAGGGTGTGACAGATCAGGTGGGACATTTCCAGGAGAAGTTGGAGGAGTGGTCA[T>C]ACCACAAACCATAGATGGGCTCCAAAGAGTAGCCTGGGAAGTTAATAAAGTACATCAGCA-3'
Protein context (NP_000359.1, residues 345-365): TLWSPSMVCG[Met355Val]TTPPTSPGNV